The following is an entry in ClinVar:

NM_015374.3(SUN2):c.231G>C (p.Glu77Asp)

Gene: SUN2 (Sad1 and UNC84 domain containing 2; minus strand). Cytogenetic location: 22q13.1.
Variant type: single nucleotide variant.
Coding change: c.231G>C on transcript NM_015374.3 (MANE Select); coding-DNA position 231, G replaced by C.
Protein change: p.Glu77Asp; replaces glutamic acid 77 with aspartic acid.
Molecular consequence: missense variant.
Genome position (GRCh38, 1-based): chr22:38,751,265, C>G on the plus strand (G>C on the coding strand, the complement: SUN2 is on the minus strand). VCF-style: chr22-38751265-C-G. GRCh37 (hg19) VCF-style: chr22-39147270-C-G.
Other names: c.231G>C, p.Glu77Asp (NM_001199579.2, NM_001199580.2); short protein forms E77D.
Identifiers: ClinVar variation 461683 (VCV000461683.10), dbSNP rs760297349, ClinGen allele CA411587219.

ClinVar aggregate classification (germline): Uncertain significance. Review status: criteria provided, multiple submitters, no conflicts (2 of 4 stars). 2 submissions from 2 submitters: Uncertain significance (2). Last evaluated 2025-05-19.

Conditions:
Emery-Dreifuss muscular dystrophy (EDMD). Also called: Scapuloperoneal syndrome, X-linked (formerly); Humeroperoneal neuromuscular disease, (formerly). Identifiers: Orphanet 261, MedGen C0410189, MONDO:0016830.

Allele frequency attached by ClinVar (database versions not stated): gnomAD 0.00003.
gnomAD v4.1: 20 of 1,614,002 alleles (0.0012%); highest among the groups gnomAD compares: Non-Finnish European, 0.0016%; no homozygotes.

Submissions (2):

Ambry Genetics
Classification: Uncertain significance. Last evaluated: 2025-05-19. Review status: criteria provided, single submitter. Criteria: Ambry Variant Classification Scheme 2023. Collection method: clinical testing. Allele origin: germline.

Labcorp Genetics (formerly Invitae), Labcorp
Classification: Uncertain significance for Emery-Dreifuss muscular dystrophy. Last evaluated: 2021-06-16. Review status: criteria provided, single submitter. Criteria: Invitae Variant Classification Sherloc (09022015). Collection method: clinical testing. Allele origin: germline.
Comment: This sequence change replaces glutamic acid with aspartic acid at codon 77 of the SUN2 protein (p.Glu77Asp). The glutamic acid residue is moderately conserved and there is a small physicochemical difference between glutamic acid and aspartic acid. This variant is not present in population databases (ExAC no frequency) and has not been reported in the literature in individuals with a SUN2-related disease. Algorithms developed to predict the effect of missense changes on protein structure and function do not agree on the potential impact of this missense change (SIFT: "Tolerated"; PolyPhen-2: "Probably Damaging"; Align-GVGD: "Class C0"). In summary, this variant is a novel missense change with uncertain impact on protein function. It has been classified as a Variant of Uncertain Significance.